The following is an entry in ClinVar:

NM_001267550.2(TTN):c.100883_100886dup (p.Trp33629fs)

Genes: TTN (titin; minus strand), TTN-AS1 (TTN antisense RNA 1; plus strand). Cytogenetic location: 2q31.2.
Variant type: Duplication.
Coding change: c.100883_100886dup on transcript NM_001267550.2 (MANE Select); coding-DNA positions 100883 to 100886, 4 bases duplicated (CCTG; older notation c.100883_100886dupCCTG).
Protein change: p.Trp33629fs; shifts the reading frame from tryptophan 33629.
Molecular consequence: frameshift variant.
Genome position (GRCh38, 1-based): chr2:178,535,729-178,535,732, CAGG duplicated on the plus strand (CCTG on the coding strand, the reverse complement: TTN is on the minus strand). VCF-style (leftmost placement, unchanged base first): chr2-178535728-C-CCAGG. GRCh37 (hg19) VCF-style: chr2-179400455-C-CCAGG.
Other names: c.95960_95963dup, p.Trp31988fs (NM_001256850.1); c.73688_73691dup, p.Trp24564fs (NM_003319.4); c.93179_93182dup, p.Trp31061fs (NM_133378.4); c.74063_74066dup, p.Trp24689fs (NM_133432.3); c.74264_74267dup, p.Trp24756fs (NM_133437.4); short protein forms W31988fs, W24564fs, W24689fs, W24756fs, W33629fs, W31061fs.
Identifiers: ClinVar variation 2944034 (VCV002944034.3), dbSNP rs2468585891, ClinGen allele CA2740096315.

ClinVar aggregate classification (germline): Likely pathogenic (1 of 4 stars; one submission).

Conditions:
Dilated cardiomyopathy 1G (CMD1G). Identifiers: Orphanet 154, MedGen C1858763, MONDO:0011400, OMIM 604145.
Autosomal recessive limb-girdle muscular dystrophy type 2J (LGMDR10). Also called: MUSCULAR DYSTROPHY, LIMB-GIRDLE, AUTOSOMAL RECESSIVE 10; Limb-girdle muscular dystrophy, type 2J. Identifiers: Orphanet 140922, MedGen C1837342, MONDO:0012127, OMIM 608807.

Submission:

Labcorp Genetics (formerly Invitae), Labcorp
Classification: Likely pathogenic for Dilated cardiomyopathy 1G; Autosomal recessive limb-girdle muscular dystrophy type 2J. Last evaluated: 2023-12-06. Review status: criteria provided, single submitter. Criteria: Invitae Variant Classification Sherloc (09022015). Collection method: clinical testing. Allele origin: germline.
Comment: This sequence change creates a premature translational stop signal (p.Trp33629Cysfs*10) in the TTN gene. While this is not anticipated to result in nonsense mediated decay, it is expected to create a truncated TTN protein. This variant is not present in population databases (gnomAD no frequency). This variant has not been reported in the literature in individuals affected with TTN-related conditions. This variant is located in the M band of TTN (PMID: 25589632). Truncating variants in this region have been previously reported in individuals affected with autosomal recessive myopathy and muscular dystrophy (PMID: 18948003, 23975875, 24395473). Truncating variants in this region have also been identified in individuals affected with autosomal dominant dilated cardiomyopathy and/or cardio-related conditions (PMID: 27869827, 32964742). In summary, the currently available evidence indicates that the variant is pathogenic, but additional data are needed to prove that conclusively. Therefore, this variant has been classified as Likely Pathogenic.

Literature cited by the submitters: PubMed 25589632; PubMed 18948003; PubMed 23975875; PubMed 24395473; PubMed 27869827; PubMed 32964742.